The following is an entry in ClinVar:

NM_007294.4(BRCA1):c.4169A>G (p.Asp1390Gly)

Gene: BRCA1 (BRCA1 DNA repair associated; minus strand). Cytogenetic location: 17q21.31.
Variant type: single nucleotide variant.
Coding change: c.4169A>G on transcript NM_007294.4 (MANE Select); coding-DNA position 4169, A replaced by G.
Protein change: p.Asp1390Gly; replaces aspartic acid 1390 with glycine.
Molecular consequence: missense variant. On other transcripts: non-coding transcript variant (1).
Genome position (GRCh38, 1-based): chr17:43,090,960, T>C on the plus strand (A>G on the coding strand, the complement: BRCA1 is on the minus strand). VCF-style: chr17-43090960-T-C. GRCh37 (hg19) VCF-style: chr17-41242977-T-C.
Other names: c.4091A>G, p.Asp1364Gly (NM_001407656.1, NM_001407658.1, NM_001407657.1 and 4 more transcripts); c.782A>G, p.Asp261Gly (NM_001408412.1, NM_001408414.1, NM_001408415.1 and 2 more transcripts); c.779A>G, p.Asp260Gly (NM_001408416.1, NM_001408413.1); c.743A>G, p.Asp248Gly (NM_001408418.1, NM_001408419.1, NM_001408420.1 and 2 more transcripts); c.4088A>G, p.Asp1363Gly (NM_001407660.1, NM_001407659.1, NM_001407661.1 and 1 more transcripts); c.3956A>G, p.Asp1319Gly (NM_001407571.1, NM_001407853.1, NM_001407894.1 and 9 more transcripts); c.4169A>G, p.Asp1390Gly (NM_001407581.1, NM_001407582.1, NM_001407583.1 and 30 more transcripts); c.4166A>G, p.Asp1389Gly (NM_001407587.1, NM_001407590.1, NM_001407591.1 and 22 more transcripts); and 41 more; short protein forms D1390G, D1343G, D287G, D1222G, D1278G, D1301G, D1322G, D1364G.
Identifiers: ClinVar variation 496377 (VCV000496377.12), dbSNP rs1165149350, ClinGen allele CA10593384.

ClinVar aggregate classification (germline): Uncertain significance. Review status: criteria provided, multiple submitters, no conflicts (2 of 4 stars). 2 submissions from 2 submitters: Uncertain significance (2). Last evaluated 2019-09-26.

Conditions:
Hereditary breast ovarian cancer syndrome. Also called: Breast and ovarian cancer; BRCA1- and BRCA2-Associated Hereditary Breast and Ovarian Cancer; Hereditary breast and ovarian cancer syndrome (HBOC); Hereditary breast and ovarian cancer; Hereditary breast and/or ovarian cancer syndrome; Hereditary breast and ovarian cancer syndrome. Identifiers: Orphanet 145, MedGen C0677776, MeSH D061325, MONDO:0003582. Disease mechanism: loss of function.

Allele frequency attached by ClinVar (database versions not stated): gnomAD 0.00001.
gnomAD v4.1: 1 of 1,611,252 alleles (0.000062%); highest among the groups gnomAD compares: Admixed American, 0.0017%; no homozygotes.

Submissions (2):

Labcorp Genetics (formerly Invitae), Labcorp
Classification: Uncertain significance for Hereditary breast ovarian cancer syndrome. Last evaluated: 2019-09-26. Review status: criteria provided, single submitter. Criteria: Invitae Variant Classification Sherloc (09022015). Collection method: clinical testing. Allele origin: germline.
Comment: In summary, the available evidence is currently insufficient to determine the role of this variant in disease. Therefore, it has been classified as a Variant of Uncertain Significance. Algorithms developed to predict the effect of missense changes on protein structure and function output the following: SIFT: "Deleterious"; PolyPhen-2: "Benign"; Align-GVGD: "Class C15". The glycine amino acid residue is found in multiple mammalian species, suggesting that this missense change does not adversely affect protein function. These predictions have not been confirmed by published functional studies and their clinical significance is uncertain. ClinVar contains an entry for this variant (Variation ID: 496377). This variant is not present in population databases (ExAC no frequency). This sequence change replaces aspartic acid with glycine at codon 1390 of the BRCA1 protein (p.Asp1390Gly). The aspartic acid residue is moderately conserved and there is a moderate physicochemical difference between aspartic acid and glycine.

Women's Health and Genetics/Laboratory Corporation of America, LabCorp
Classification: Uncertain significance. Last evaluated: 2016-10-03. Review status: criteria provided, single submitter. Criteria: LabCorp Variant Classification Summary - May 2015. Collection method: clinical testing. Allele origin: germline.
Comment: Variant summary: The BRCA1 c.4169A>G (p.Asp1390Gly) variant causes a missense change involving a non-conserved nucleotide with 2/4 in silico tools (SNPs&Go not captured here due to low reliability index) predict a benign outcome, although these predictions have yet to be functionally assessed. The variant of interest has not been observed in controls (ExAC, 1000 Gs, or ESP), nor has it been, to our knowledge reported in affected individuals via publications and/or reputable clinical diagnostic laboratories/databases. Because of the absence of clinical information and the lack of functional studies, the variant has been classified as a "Variant of Uncertain Significance (VUS)," until additional information becomes available.